The following is an entry in ClinVar:

NM_052963.3(TOP1MT):c.1369C>G (p.Arg457Gly)

Gene: TOP1MT (DNA topoisomerase I mitochondrial; minus strand). Cytogenetic location: 8q24.3.
Variant type: single nucleotide variant.
Coding change: c.1369C>G on transcript NM_052963.3 (MANE Select); coding-DNA position 1369, C replaced by G.
Protein change: p.Arg457Gly; replaces arginine 457 with glycine.
Molecular consequence: missense variant.
Genome position (GRCh38, 1-based): chr8:143,316,088, G>C on the plus strand (C>G on the coding strand, the complement: TOP1MT is on the minus strand). VCF-style: chr8-143316088-G-C. GRCh37 (hg19) VCF-style: chr8-144398258-G-C.
Other names: c.1075C>G, p.Arg359Gly (NM_001258446.1, NM_001258447.1); short protein forms R359G, R457G.
Identifiers: ClinVar variation 2711786 (VCV002711786.3), dbSNP rs200573878, ClinGen allele CA372410956.

ClinVar aggregate classification (germline): Uncertain significance (1 of 4 stars; one submission).

gnomAD v4.1: 2 of 1,614,162 alleles (0.00012%); highest among the groups gnomAD compares: Non-Finnish European, 0.00017%; no homozygotes.

Submission:

Labcorp Genetics (formerly Invitae), Labcorp
Classification: Uncertain significance. Last evaluated: 2024-10-24. Review status: criteria provided, single submitter. Criteria: Invitae Variant Classification Sherloc (09022015). Collection method: clinical testing. Allele origin: germline.
Comment: This sequence change replaces arginine, which is basic and polar, with glycine, which is neutral and non-polar, at codon 457 of the TOP1MT protein (p.Arg457Gly). This variant is not present in population databases (gnomAD no frequency). This variant has not been reported in the literature in individuals affected with TOP1MT-related conditions. Invitae Evidence Modeling of protein sequence and biophysical properties (such as structural, functional, and spatial information, amino acid conservation, physicochemical variation, residue mobility, and thermodynamic stability) indicates that this missense variant is expected to disrupt TOP1MT protein function with a positive predictive value of 80%. In summary, the available evidence is currently insufficient to determine the role of this variant in disease. Therefore, it has been classified as a Variant of Uncertain Significance.